The following is an entry in ClinVar:

ClinVar aggregate classification (germline): Uncertain significance (1 of 4 stars; one submission).

Submission:

GeneDx
Classification: Uncertain significance. Last evaluated: 2025-05-23. Review status: criteria provided, single submitter. Criteria: GeneDx Variant Classification Process June 2021. Collection method: clinical testing. Allele origin: germline. Affected: yes.
Comment: Not observed at significant frequency in large population cohorts (gnomAD); In-frame deletion of 1 amino acid(s) and insertion of 2 different amino acid(s); Has not been previously published as pathogenic or benign to our knowledge; In silico analysis does not support a benign or deleterious effect of this variant on protein structure/function

NM_020732.3:c.380delinsCTGC

Gene: ARID1B (AT-rich interaction domain 1B; plus strand).
Variant type: Indel.
Other names: c.380delinsCTGC (NM_020732.3).
Identifiers: ClinVar variation 4530748 (VCV004530748.1).